The following is an entry in ClinVar:

ClinVar aggregate classification (germline): Likely pathogenic (1 of 4 stars; one submission).

Conditions:
Familial focal epilepsy with variable foci (FPEVF). Identifiers: Orphanet 98820, MedGen C1858477, MONDO:0020310.

Submission:

Labcorp Genetics (formerly Invitae), Labcorp
Classification: Likely pathogenic for Familial focal epilepsy with variable foci. Last evaluated: 2022-08-20. Review status: criteria provided, single submitter. Criteria: Invitae Variant Classification Sherloc (09022015). Collection method: clinical testing. Allele origin: germline.
Comment: Algorithms developed to predict the effect of sequence changes on RNA splicing suggest that this variant may disrupt the consensus splice site. This variant has not been reported in the literature in individuals affected with DEPDC5-related conditions. This variant is not present in population databases (gnomAD no frequency). This sequence change affects a donor splice site in intron 6 of the DEPDC5 gene. It is expected to disrupt RNA splicing. Variants that disrupt the donor or acceptor splice site typically lead to a loss of protein function (PMID: 16199547), and loss-of-function variants in DEPDC5 are known to be pathogenic (PMID: 23542697, 23542701). In summary, the currently available evidence indicates that the variant is pathogenic, but additional data are needed to prove that conclusively. Therefore, this variant has been classified as Likely Pathogenic.

Literature cited by the submitters: PubMed 16199547; PubMed 23542697; PubMed 23542701.

NM_001242896.3(DEPDC5):c.363+1G>C

Gene: DEPDC5 (DEP domain containing 5, GATOR1 subcomplex subunit; plus strand). Cytogenetic location: 22q12.2.
Variant type: single nucleotide variant.
Coding change: c.363+1G>C on transcript NM_001242896.3 (MANE Select); the canonical splice donor site of the intron after coding-DNA position 363, G replaced by C.
Molecular consequence: splice donor variant. On other transcripts: intron variant (2).
Genome position (GRCh38, 1-based): chr22:31,766,669, G>C. VCF-style: chr22-31766669-G-C. GRCh37 (hg19) VCF-style: chr22-32162655-G-C.
Other names: c.363+1G>C (NM_001364318.2, NM_001136029.4, NM_014662.6 and 7 more transcripts); c.279+1609G>C (NM_001369902.1, NM_001369901.1).
Identifiers: ClinVar variation 2016078 (VCV002016078.4), dbSNP rs2082845191, ClinGen allele CA411282634.